The following is an entry in ClinVar:

NM_000540.3(RYR1):c.2511C>T (p.His837=)

Gene: RYR1 (ryanodine receptor 1; plus strand). Cytogenetic location: 19q13.2.
Variant type: single nucleotide variant.
Coding change: c.2511C>T on transcript NM_000540.3 (MANE Select); coding-DNA position 2511, C replaced by T.
Protein change: p.His837=; no amino-acid change (histidine 837 retained).
Molecular consequence: synonymous variant.
Genome position (GRCh38, 1-based): chr19:38,460,525, C>T. VCF-style: chr19-38460525-C-T. GRCh37 (hg19) VCF-style: chr19-38951165-C-T.
Other names: c.2511C>T, p.His837= (NM_001042723.2).
Identifiers: ClinVar variation 2908317 (VCV002908317.4), dbSNP rs990397571, ClinGen allele CA507232903.

ClinVar aggregate classification (germline): Likely benign. Review status: criteria provided, multiple submitters, no conflicts (2 of 4 stars). 2 submissions from 2 submitters: Likely benign (2). Last evaluated 2024-03-24.

Conditions:
RYR1-related disorder. Also called: RYR1-related condition; RYR1-related disorders. Identifiers: MedGen CN239331.
Malignant hyperthermia, susceptibility to, 1 (MHS1). Also called: Malignant hyperthermia suceptibility 1; Anesthesia related hyperthermia; Malignant hyperpyrexia; Fulminating hyperpyrexia; Pharmacogenic myopathy; RYR1-Related Malignant Hyperthermia Susceptibility. Identifiers: Orphanet 423, MedGen C2930980, MONDO:0007783, OMIM 145600.

Submissions (2):

All of Us Research Program, National Institutes of Health
Classification: Likely benign for Malignant hyperthermia, susceptibility to, 1. Last evaluated: 2024-03-24. Review status: criteria provided, single submitter. Criteria: ACMG Guidelines, 2015. Collection method: clinical testing. Allele origin: germline. Inheritance: Autosomal dominant inheritance. Observed: 1 variant allele, 1 heterozygote.
Comment: This study involves interpretation of variants in research participants for the purpose of population health screening. Participant phenotype was not available at the time of variant classification. Additional details can be found in publication PMID: 35346344, PMCID: PMC8962531

Labcorp Genetics (formerly Invitae), Labcorp
Classification: Likely benign for RYR1-related disorder. Last evaluated: 2023-03-13. Review status: criteria provided, single submitter. Criteria: Invitae Variant Classification Sherloc (09022015). Collection method: clinical testing. Allele origin: germline.